The following is an entry in ClinVar:

NM_016006.6(ABHD5):c.670C>G (p.Leu224Val)

Gene: ABHD5 (abhydrolase domain containing 5, lysophosphatidic acid acyltransferase; plus strand). Cytogenetic location: 3p21.33.
Variant type: single nucleotide variant.
Coding change: c.670C>G on transcript NM_016006.6 (MANE Select); coding-DNA position 670, C replaced by G.
Protein change: p.Leu224Val; replaces leucine 224 with valine.
Molecular consequence: missense variant.
Genome position (GRCh38, 1-based): chr3:43,714,955, C>G. VCF-style: chr3-43714955-C-G. GRCh37 (hg19) VCF-style: chr3-43756447-C-G.
Other names: c.670C>G, p.Leu224Val (NM_001355186.2, NM_001365650.1); c.547C>G, p.Leu183Val (NM_001365649.1); short protein forms L183V, L224V.
Identifiers: ClinVar variation 1938552 (VCV001938552.2), dbSNP rs986393286, ClinGen allele CA74392917.

ClinVar aggregate classification (germline): Uncertain significance (1 of 4 stars; one submission).

Allele frequency attached by ClinVar (database versions not stated): gnomAD exomes below 0.00001.
gnomAD v4.1: 1 of 1,611,618 alleles (0.000062%); highest among the groups gnomAD compares: Admixed American, 0.0017%; no homozygotes.

Submission:

Labcorp Genetics (formerly Invitae), Labcorp
Classification: Uncertain significance. Last evaluated: 2022-03-20. Review status: criteria provided, single submitter. Criteria: Invitae Variant Classification Sherloc (09022015). Collection method: clinical testing. Allele origin: germline.
Comment: This sequence change replaces leucine, which is neutral and non-polar, with valine, which is neutral and non-polar, at codon 224 of the ABHD5 protein (p.Leu224Val). This variant is not present in population databases (gnomAD no frequency). This variant has not been reported in the literature in individuals affected with ABHD5-related conditions. Algorithms developed to predict the effect of missense changes on protein structure and function are either unavailable or do not agree on the potential impact of this missense change (SIFT: "Tolerated"; PolyPhen-2: "Possibly Damaging"; Align-GVGD: "Class C0"). In summary, the available evidence is currently insufficient to determine the role of this variant in disease. Therefore, it has been classified as a Variant of Uncertain Significance.